The following is an entry in ClinVar:

NM_000176.3(NR3C1):c.853G>C (p.Glu285Gln)

Gene: NR3C1 (nuclear receptor subfamily 3 group C member 1; minus strand). Cytogenetic location: 5q31.3.
Variant type: single nucleotide variant.
Coding change: c.853G>C on transcript NM_000176.3 (MANE Select); coding-DNA position 853, G replaced by C.
Protein change: p.Glu285Gln; replaces glutamic acid 285 with glutamine.
Molecular consequence: missense variant. On other transcripts: 5 prime UTR variant (3).
Genome position (GRCh38, 1-based): chr5:143,399,987, C>G on the plus strand (G>C on the coding strand, the complement: NR3C1 is on the minus strand). VCF-style: chr5-143399987-C-G. GRCh37 (hg19) VCF-style: chr5-142779552-C-G.
Other names: c.853G>C, p.Glu285Gln (NM_001018074.1, NM_001018075.1, NM_001018076.2 and 10 more transcripts); c.775G>C, p.Glu259Gln (NM_001204258.2); c.598G>C, p.Glu200Gln (NM_001204259.2); c.586G>C, p.Glu196Gln (NM_001204260.2); c.562G>C, p.Glu188Gln (NM_001204261.2); c.-93G>C (NM_001204262.2); c.-138G>C (NM_001204263.2); c.-153G>C (NM_001204264.2); short protein forms E188Q, E196Q, E200Q, E259Q, E285Q.
Identifiers: ClinVar variation 4281394 (VCV004281394.7).

ClinVar aggregate classification (germline): Uncertain significance (1 of 4 stars; one submission).

Submission:

CeGaT Center for Human Genetics Tuebingen
Classification: Uncertain significance. Last evaluated: 2025-09-01. Review status: criteria provided, single submitter. Criteria: CeGaT Center For Human Genetics Tuebingen Variant Classification Criteria Version 2. Collection method: clinical testing. Allele origin: germline. Affected: yes. Observed: 1 variant allele.
Comment: NR3C1: PM2